The following is an entry in ClinVar:

NM_001363711.2(DUOX2):c.4552G>A (p.Gly1518Ser)

Gene: DUOX2 (dual oxidase 2; minus strand). Cytogenetic location: 15q21.1.
Variant type: single nucleotide variant.
Coding change: c.4552G>A on transcript NM_001363711.2 (MANE Select); coding-DNA position 4552, G replaced by A.
Protein change: p.Gly1518Ser; replaces glycine 1518 with serine.
Molecular consequence: missense variant.
Genome position (GRCh38, 1-based): chr15:45,094,245, C>T on the plus strand (G>A on the coding strand, the complement: DUOX2 is on the minus strand). VCF-style: chr15-45094245-C-T. GRCh37 (hg19) VCF-style: chr15-45386443-C-T.
Other names: c.4552G>A, p.Gly1518Ser (NM_014080.5); short protein forms G1518S.
Identifiers: ClinVar variation 1210930 (VCV001210930.18), dbSNP rs368512412, ClinGen allele CA7537468.

ClinVar aggregate classification (germline): Pathogenic/Likely pathogenic. Review status: criteria provided, multiple submitters, no conflicts (2 of 4 stars). 5 submissions from 5 submitters: Pathogenic (1); Likely pathogenic (3). 1 of the submissions does not count toward it. Last evaluated 2026-08-05.

Conditions:
DUOX2-related disorder. Also called: DUOX2-related condition.
Thyroid dyshormonogenesis 6 (TDH6). Also called: HYPOTHYROIDISM, CONGENITAL, DUE TO DYSHORMONOGENESIS, 6; THYROID HORMONOGENESIS, GENETIC DEFECT IN, 6; Genetic transient congenital hypothyroidism. Identifiers: Orphanet 226316, Orphanet 95716, MedGen C1846632, MONDO:0011792, OMIM 607200.

Allele frequency attached by ClinVar (database versions not stated): ExAC 0.00005; gnomAD exomes 0.00007; ESP Exome Variant Server 0.00008; gnomAD 0.00008 and 0.00009; TOPMed 0.00009.
gnomAD v4.1: 157 of 1,613,956 alleles (0.0097%); highest among the groups gnomAD compares: Non-Finnish European, 0.012%; no homozygotes.

Submissions (5):

GeneDx
Classification: Likely pathogenic. Last evaluated: 2026-08-05. Review status: criteria provided, single submitter. Criteria: GeneDx Variant Classification Process June 2021. Collection method: clinical testing. Allele origin: germline.
Comment: Identified in an infant with congenital hypothyroidism for whom a second variant was not reported, though detailed information was limited (PMID: 33124651); Published functional studies demonstrate loss of protein function (PMID: 20187165); In silico analysis supports that this missense variant has a deleterious effect on protein structure/function; This variant is associated with the following publications: (PMID: 29435108, 33490161, 32765423, 21543982, 20122987, 31172499, 33651715, 31030636, 34200080, 20187165, 33124651)

Labcorp Genetics (formerly Invitae), Labcorp
Classification: Pathogenic. Last evaluated: 2025-12-09. Review status: criteria provided, single submitter. Criteria: Invitae Variant Classification Sherloc (09022015). Collection method: clinical testing. Allele origin: germline.
Comment: This sequence change replaces glycine, which is neutral and non-polar, with serine, which is neutral and polar, at codon 1518 of the DUOX2 protein (p.Gly1518Ser). This variant is present in population databases (rs368512412, gnomAD 0.01%). This missense change has been observed in individual(s) with autosomal recessive congenital hypothyroidism (PMID: 20187165, 31030636). In at least one individual the data is consistent with being in trans (on the opposite chromosome) from a pathogenic variant. ClinVar contains an entry for this variant (Variation ID: 1210930). Invitae Evidence Modeling of protein sequence and biophysical properties (such as structural, functional, and spatial information, amino acid conservation, physicochemical variation, residue mobility, and thermodynamic stability) indicates that this missense variant is expected to disrupt DUOX2 protein function with a positive predictive value of 95%. Experimental studies have shown that this missense change affects DUOX2 function (PMID: 20187165). For these reasons, this variant has been classified as Pathogenic.

Dasa
Classification: Likely pathogenic. Last evaluated: 2025-08-25. Review status: criteria provided, single submitter. Criteria: DASA Assertion Criteria. Collection method: clinical testing. Allele origin: germline.
Comment: NM_001363711.2(DUOX2):c.4552G>A (p.Gly1518Ser) is a missense variant that results in the substitution of glycine with serine. This variant has been recurrently observed in individuals with DUOX2-related disorders (PMID: 31030636; PMID: 20187165). Functional evidence supports an impact on the gene or gene product (PMID: 31030636; PMID: 20187165). Also, this variant is rare in population databases. Computational evidence supports a deleterious effect. Based on the currently available evidence, this variant is classified as likely pathogenic.

Fulgent Genetics
Classification: Likely pathogenic for Thyroid dyshormonogenesis 6. Last evaluated: 2023-12-23. Review status: criteria provided, single submitter. Criteria: ACMG Guidelines, 2015. Collection method: clinical testing. Allele origin: germline.

PreventionGenetics, part of Exact Sciences
Classification: Likely pathogenic for DUOX2-related condition. Last evaluated: 2023-11-22. Review status: no assertion criteria provided. Collection method: clinical testing. Allele origin: germline. Not counted in ClinVar's aggregate classification.
Comment: The DUOX2 c.4552G>A variant is predicted to result in the amino acid substitution p.Gly1518Ser. This variant has been reported in the heterozygous state in an individual with transient congenital hypothyroidism (Hoste et al. 2010. PubMed ID: 20187165) and an infant with compressive hypothyroid goiter causing respiratory distress (Patient 1, Dufort et al. 2019. PubMed ID: 31030636). This variant was also reported in a worldwide analysis of carrier frequency and predicted genetical prevalence of autosomal recessive congenital hypothyroidism (Table S6, Park et al. 2021. PubMed ID: 34200080). This variant is reported in 0.014% of alleles in individuals of Latino descent in gnomAD. This variant is interpreted as likely pathogenic.

Literature cited by the submitters: PubMed 20187165 (cited by Labcorp Genetics (formerly Invitae), Labcorp and Dasa); PubMed 31030636 (cited by Labcorp Genetics (formerly Invitae), Labcorp and Dasa).